The following is an entry in ClinVar:

ClinVar aggregate classification (germline): Benign/Likely benign. Review status: criteria provided, multiple submitters, no conflicts (2 of 4 stars). 7 submissions from 7 submitters: Benign (3); Likely benign (2). 2 of the submissions do not count toward it. Last evaluated 2026-01-18.

Conditions:
Cardiovascular phenotype. Identifiers: MedGen CN230736.
Dilated cardiomyopathy 1JJ (CMD1JJ). Identifiers: Orphanet 154, MedGen C3808935, MONDO:0014095, OMIM 615235.

Allele frequency attached by ClinVar (database versions not stated): ESP Exome Variant Server 0.00223; TOPMed 0.00229; ExAC 0.00059; gnomAD 0.00171 and 0.00180; gnomAD exomes 0.00013 and 0.00046; 1000 Genomes Project 0.00319; 1000 Genomes Project 30x 0.00328.
gnomAD v4.1: 452 of 1,614,160 alleles (0.028%); highest among the groups gnomAD compares: African/African-American, 0.56%; 1 homozygote.

Submissions (7):

Labcorp Genetics (formerly Invitae), Labcorp
Classification: Benign for Dilated cardiomyopathy 1JJ. Last evaluated: 2026-01-18. Review status: criteria provided, single submitter. Criteria: Invitae Variant Classification Sherloc (09022015). Collection method: clinical testing. Allele origin: germline.

Women's Health and Genetics/Laboratory Corporation of America, LabCorp
Classification: Benign. Last evaluated: 2025-02-10. Review status: criteria provided, single submitter. Criteria: LabCorp Variant Classification Summary - May 2015. Collection method: clinical testing. Allele origin: germline.

Ambry Genetics
Classification: Likely benign for Cardiovascular phenotype. Last evaluated: 2016-11-08. Review status: criteria provided, single submitter. Criteria: Ambry Variant Classification Scheme 2023. Collection method: clinical testing. Allele origin: germline.

GeneDx
Classification: Benign. Last evaluated: 2015-05-07. Review status: criteria provided, single submitter. Criteria: GeneDx Variant Classification (06012015). Collection method: clinical testing. Allele origin: germline. Affected: yes.
Comment: This variant is considered likely benign or benign based on one or more of the following criteria: it is a conservative change, it occurs at a poorly conserved position in the protein, it is predicted to be benign by multiple in silico algorithms, and/or has population frequency not consistent with disease.

Breakthrough Genomics
Classification: Likely benign. Review status: criteria provided, single submitter. Criteria: ACMG Guidelines, 2015. Collection method: not provided. Allele origin: germline. Inheritance: Autosomal dominant inheritance. Affected: yes.

Clinical Genetics, Academic Medical Center
Classification: Benign. Review status: no assertion criteria provided. Collection method: clinical testing. Allele origin: germline. Affected: yes. Study: VKGL Data-share Consensus. Not counted in ClinVar's aggregate classification.

Genome Diagnostics Laboratory, University Medical Center Utrecht
Classification: Benign. Review status: no assertion criteria provided. Collection method: clinical testing. Allele origin: germline. Affected: yes. Study: VKGL Data-share Consensus. Not counted in ClinVar's aggregate classification.

NM_001105206.3(LAMA4):c.2250G>A (p.Gln750=)

Gene: LAMA4 (laminin subunit alpha 4; minus strand). Cytogenetic location: 6q21.
Variant type: single nucleotide variant.
Coding change: c.2250G>A on transcript NM_001105206.3 (MANE Select); coding-DNA position 2250, G replaced by A.
Protein change: p.Gln750=; no amino-acid change (glutamine 750 retained).
Molecular consequence: synonymous variant.
Genome position (GRCh38, 1-based): chr6:112,148,260, C>T on the plus strand (G>A on the coding strand, the complement: LAMA4 is on the minus strand). VCF-style: chr6-112148260-C-T. GRCh37 (hg19) VCF-style: chr6-112469462-C-T.
Other names: p.Q743Q:CAG>CAA; c.2229G>A, p.Gln743= (NM_001105207.3, NM_002290.5).
Identifiers: ClinVar variation 213573 (VCV000213573.20), dbSNP rs112305543, ClinGen allele CA325445.
Genomic context (GRCh38, chr6:112,148,260, plus strand): 5'-GTCAAAATGTTGAAGATTCTGTGACCAGTTGGTTAGATTGTTGGCCATGGGGGCAGTGGC[C>T]TGCTGCACCTCCATCGTCGTCCTGTTGGCTTCCTCGGTGATCAGTCTAGACTGCCCCAGG-3'
Protein context (NP_001098676.2, residues 740-760): EANRTTMEVQ[Gln750=]ATAPMANNLT